The following is an entry in ClinVar:

NM_000548.5(TSC2):c.4351C>T (p.Arg1451Cys)

Gene: TSC2 (TSC complex subunit 2; plus strand). Cytogenetic location: 16p13.3.
Variant type: single nucleotide variant.
Coding change: c.4351C>T on transcript NM_000548.5 (MANE Select); coding-DNA position 4351, C replaced by T.
Protein change: p.Arg1451Cys; replaces arginine 1451 with cysteine.
Molecular consequence: missense variant.
Genome position (GRCh38, 1-based): chr16:2,084,573, C>T. VCF-style: chr16-2084573-C-T. GRCh37 (hg19) VCF-style: chr16-2134574-C-T.
Other names: c.4150C>T, p.Arg1384Cys (NM_001077183.3); c.4282C>T, p.Arg1428Cys (NM_001114382.3); c.4042C>T, p.Arg1348Cys (NM_001318827.2); c.4006C>T, p.Arg1336Cys (NM_001318829.2); c.3619C>T, p.Arg1207Cys (NM_001318831.2); c.4183C>T, p.Arg1395Cys (NM_001318832.2); c.4153C>T, p.Arg1385Cys (NM_001363528.2); c.4219C>T, p.Arg1407Cys (NM_001370404.1); and 1 more; short protein forms R1451C, R1207C, R1348C, R1384C, R1428C, R1408C, R1385C, R1407C.
Identifiers: ClinVar variation 406124 (VCV000406124.26), dbSNP rs369553241, ClinGen allele CA050953.

ClinVar aggregate classification (germline): Conflicting classifications of pathogenicity. Review status: criteria provided, conflicting classifications (1 of 4 stars). 7 submissions from 7 submitters: Uncertain significance (1); Likely benign (6). Last evaluated 2026-01-13.

Conditions:
Hereditary cancer-predisposing syndrome. Also called: Neoplastic Syndromes, Hereditary; Tumor predisposition; Hereditary Cancer Syndrome; Hereditary neoplastic syndrome. Identifiers: Orphanet 140162, MedGen C0027672, MeSH D009386, MONDO:0015356.
Tuberous sclerosis syndrome (TSC). Also called: Tuberous Sclerosis Complex; Tuberous sclerosis. Identifiers: Orphanet 805, MedGen C0041341, MONDO:0001734.
Tuberous sclerosis 2 (TSC2). Identifiers: Orphanet 805, MedGen C1860707, MONDO:0013199, OMIM 613254.

Allele frequency attached by ClinVar (database versions not stated): TOPMed 0.00002; ESP Exome Variant Server 0.00008.
gnomAD v4.1: 51 of 1,607,362 alleles (0.0032%); highest among the groups gnomAD compares: East Asian, 0.0045%; no homozygotes.

Submissions (7):

Labcorp Genetics (formerly Invitae), Labcorp
Classification: Likely benign for Tuberous sclerosis 2. Last evaluated: 2026-01-13. Review status: criteria provided, single submitter. Criteria: Invitae Variant Classification Sherloc (09022015). Collection method: clinical testing. Allele origin: germline.

Color Diagnostics, LLC DBA Color Health
Classification: Likely benign for Tuberous sclerosis syndrome. Last evaluated: 2025-12-17. Review status: criteria provided, single submitter. Criteria: ACMG Guidelines, 2015. Collection method: clinical testing. Allele origin: germline.

Blueprint Genetics
Classification: Likely benign. Last evaluated: 2024-01-24. Review status: criteria provided, single submitter. Criteria: ACMG Guidelines, 2015. Collection method: clinical testing. Allele origin: germline.

Ambry Genetics
Classification: Likely benign for Hereditary cancer-predisposing syndrome. Last evaluated: 2023-03-28. Review status: criteria provided, single submitter. Criteria: Ambry Variant Classification Scheme 2023. Collection method: clinical testing. Allele origin: germline.

Genome-Nilou Lab
Classification: Likely benign for Tuberous sclerosis 2. Last evaluated: 2021-11-07. Review status: criteria provided, single submitter. Criteria: ACMG Guidelines, 2015. Collection method: clinical testing. Allele origin: germline. Affected: no.

Sema4
Classification: Uncertain significance for Hereditary cancer-predisposing syndrome. Last evaluated: 2021-06-09. Review status: criteria provided, single submitter. Criteria: Sema4 Curation Guidelines. Collection method: curation. Allele origin: germline.
Comment: To the best of our knowledge, the TSC2 c.4351C>T (p.R1451C) variant has not been reported in individuals with TSC2-related disease. It was observed in 3/109570 chromosomes of the Non-Finnish European subpopulation in the large and broad cohorts of the Genome Aggregation Database (PMID: 32461654). The variant has been reported in ClinVar (Variation ID 406124). In silico tools suggest the impact of the variant on protein function is inconclusive, though these predictions have not been confirmed by functional studies. The evidence is insufficient to meet ACMG/AMP criteria for classifying the variant as benign or pathogenic. Thus, the clinical significance of this variant is currently uncertain.

GeneDx
Classification: Likely benign. Last evaluated: 2019-07-17. Review status: criteria provided, single submitter. Criteria: GeneDx Variant Classification Process June 2021. Collection method: clinical testing. Allele origin: germline. Affected: yes.
Comment: In silico analysis, which includes protein predictors and evolutionary conservation, supports that this variant does not alter protein structure/function; Has not been previously published as pathogenic or benign to our knowledge; This variant is associated with the following publications: (PMID: 28191889, 27994516)

Literature cited by the submitters: PubMed 31069529 (cited by Ambry Genetics).